The following is an entry in ClinVar:

NM_006393.3(NEBL):c.3036T>G (p.Phe1012Leu)

Gene: NEBL (nebulette; minus strand). Cytogenetic location: 10p12.31.
Variant type: single nucleotide variant.
Coding change: c.3036T>G on transcript NM_006393.3 (MANE Select); coding-DNA position 3036, T replaced by G.
Protein change: p.Phe1012Leu; replaces phenylalanine 1012 with leucine.
Molecular consequence: missense variant. On other transcripts: 3 prime UTR variant (1).
Genome position (GRCh38, 1-based): chr10:20,785,756, A>C on the plus strand (T>G on the coding strand, the complement: NEBL is on the minus strand). VCF-style: chr10-20785756-A-C. GRCh37 (hg19) VCF-style: chr10-21074685-A-C.
Other names: c.897T>G, p.Phe299Leu (NM_001377322.1); c.756T>G, p.Phe252Leu (NM_001377323.1); c.747T>G, p.Phe249Leu (NM_001377324.1); c.738T>G, p.Phe246Leu (NM_001377325.1); c.696T>G, p.Phe232Leu (NM_001377326.1, NM_001377327.1, NM_001377328.1); c.804T>G, p.Phe268Leu (NM_213569.2); c.*127T>G (NM_001173484.2); short protein forms F1012L, F299L, F249L, F268L, F232L, F246L, F252L.
Identifiers: ClinVar variation 2563744 (VCV002563744.2), dbSNP rs139338531, ClinGen allele CA376091996.
Genomic context (GRCh38, chr10:20,785,756, plus strand): 5'-GATTAGGTTTGGGATACATTAGAATAAAGCTCAAAGGGCAGGGAGAAATAATTAATTAAC[A>C]AACTCAATGTAATTCGCTGGGAGCATTCCTGTTCTCCCTGTTCTCTGCACTGTGCCGTAC-3'
Protein context (NP_006384.1, residues 1002-1014): TGMLPANYIE[Phe1012Leu]VN

ClinVar aggregate classification (germline): Uncertain significance (1 of 4 stars; one submission).

Submission:

Ambry Genetics
Classification: Uncertain significance. Last evaluated: 2023-04-03. Review status: criteria provided, single submitter. Criteria: Ambry Variant Classification Scheme 2023. Collection method: clinical testing. Allele origin: germline.
Comment: The p.F1012L variant (also known as c.3036T>G), located in coding exon 28 of the NEBL gene, results from a T to G substitution at nucleotide position 3036. The phenylalanine at codon 1012 is replaced by leucine, an amino acid with highly similar properties. This amino acid position is conserved. In addition, this alteration is predicted to be tolerated by in silico analysis. Since supporting evidence is limited at this time, the clinical significance of this alteration remains unclear.